The following is an entry in ClinVar:

NM_001367624.2(ZNF469):c.737C>T (p.Ala246Val)

Gene: ZNF469 (zinc finger protein 469; plus strand). Cytogenetic location: 16q24.2.
Variant type: single nucleotide variant.
Coding change: c.737C>T on transcript NM_001367624.2 (MANE Select); coding-DNA position 737, C replaced by T.
Protein change: p.Ala246Val; replaces alanine 246 with valine.
Molecular consequence: missense variant.
Genome position (GRCh38, 1-based): chr16:88,428,207, C>T. VCF-style: chr16-88428207-C-T. GRCh37 (hg19) VCF-style: chr16-88494615-C-T.
Other names: NM_001127464.1:c.737C>T; short protein forms A246V.
Identifiers: ClinVar variation 1421572 (VCV001421572.6), dbSNP rs1471066594, ClinGen allele CA397061852.

ClinVar aggregate classification (germline): Conflicting classifications of pathogenicity. Review status: criteria provided, conflicting classifications (1 of 4 stars). 3 submissions from 3 submitters: Uncertain significance (2); Likely benign (1). Last evaluated 2025-11-18.

Conditions:
Cardiovascular phenotype. Identifiers: MedGen CN230736.

Allele frequency attached by ClinVar (database versions not stated): gnomAD 0.00001; TOPMed 0.00001.
gnomAD v4.1: 10 of 1,550,190 alleles (0.00065%); highest among the groups gnomAD compares: African/African-American, 0.0014%; no homozygotes.

Submissions (3):

Labcorp Genetics (formerly Invitae), Labcorp
Classification: Uncertain significance. Last evaluated: 2025-11-18. Review status: criteria provided, single submitter. Criteria: Invitae Variant Classification Sherloc (09022015). Collection method: clinical testing. Allele origin: germline.
Comment: This sequence change replaces alanine, which is neutral and non-polar, with valine, which is neutral and non-polar, at codon 246 of the ZNF469 protein (p.Ala246Val). This variant is not present in population databases (gnomAD no frequency). This variant has not been reported in the literature in individuals affected with ZNF469-related conditions. ClinVar contains an entry for this variant (Variation ID: 1421572). An algorithm developed to predict the effect of missense changes on protein structure and function (PolyPhen-2) suggests that this variant is likely to be disruptive. In summary, the available evidence is currently insufficient to determine the role of this variant in disease. Therefore, it has been classified as a Variant of Uncertain Significance.

Ambry Genetics
Classification: Likely benign for Cardiovascular phenotype. Last evaluated: 2024-01-25. Review status: criteria provided, single submitter. Criteria: Ambry Variant Classification Scheme 2023. Collection method: clinical testing. Allele origin: germline.

GeneDx
Classification: Uncertain significance. Last evaluated: 2022-05-11. Review status: criteria provided, single submitter. Criteria: GeneDx Variant Classification Process June 2021. Collection method: clinical testing. Allele origin: germline. Affected: yes.
Comment: Not observed at significant frequency in large population cohorts (gnomAD); In silico analysis supports that this missense variant does not alter protein structure/function; Has not been previously published as pathogenic or benign to our knowledge